The following is an entry in ClinVar:

ClinVar aggregate classification (germline): Uncertain significance (1 of 4 stars; one submission).

Submission:

Labcorp Genetics (formerly Invitae), Labcorp
Classification: Uncertain significance. Last evaluated: 2024-08-12. Review status: criteria provided, single submitter. Criteria: Invitae Variant Classification Sherloc (09022015). Collection method: clinical testing. Allele origin: germline.
Comment: This sequence change replaces cysteine, which is neutral and slightly polar, with glycine, which is neutral and non-polar, at codon 2576 of the EYS protein (p.Cys2576Gly). This variant is not present in population databases (gnomAD no frequency). This missense change has been observed in individual(s) with retinitis pigmentosa (Invitae). In at least one individual the data is consistent with being in trans (on the opposite chromosome) from a pathogenic variant. It has also been observed to segregate with disease in related individuals. An algorithm developed to predict the effect of missense changes on protein structure and function (PolyPhen-2) suggests that this variant is likely to be disruptive. In summary, the available evidence is currently insufficient to determine the role of this variant in disease. Therefore, it has been classified as a Variant of Uncertain Significance.

NM_001142800.2(EYS):c.7726T>G (p.Cys2576Gly)

Gene: EYS (EGF-like photoreceptor maintenance factor; minus strand). Cytogenetic location: 6q12.
Variant type: single nucleotide variant.
Coding change: c.7726T>G on transcript NM_001142800.2 (MANE Select); coding-DNA position 7726, T replaced by G.
Protein change: p.Cys2576Gly; replaces cysteine 2576 with glycine.
Molecular consequence: missense variant.
Genome position (GRCh38, 1-based): chr6:63,778,178, A>C on the plus strand (T>G on the coding strand, the complement: EYS is on the minus strand). VCF-style: chr6-63778178-A-C. GRCh37 (hg19) VCF-style: chr6-64488071-A-C.
Other names: c.7726T>G, p.Cys2576Gly (NM_001292009.2); short protein forms C2576G.
Identifiers: ClinVar variation 3646635 (VCV003646635.2).